The following is an entry in ClinVar:

NM_198407.2(GHSR):c.94G>T (p.Asp32Tyr)

Gene: GHSR (growth hormone secretagogue receptor; minus strand). Cytogenetic location: 3q26.31.
Variant type: single nucleotide variant.
Coding change: c.94G>T on transcript NM_198407.2 (MANE Select); coding-DNA position 94, G replaced by T.
Protein change: p.Asp32Tyr; replaces aspartic acid 32 with tyrosine.
Molecular consequence: missense variant.
Genome position (GRCh38, 1-based): chr3:172,448,320, C>A on the plus strand (G>T on the coding strand, the complement: GHSR is on the minus strand). VCF-style: chr3-172448320-C-A. GRCh37 (hg19) VCF-style: chr3-172166110-C-A.
Other names: c.94G>T, p.Asp32Tyr (NM_004122.2); short protein forms D32Y.
Identifiers: ClinVar variation 1500903 (VCV001500903.6), dbSNP rs1398103999, ClinGen allele CA355516706.
Genomic context (GRCh38, chr3:172,448,320, plus strand): 5'-CCACGCAGGTGGCTGTGACGCCCGCCAGCAGCGGCGCGGGGAAGAGCTGCAGCAGCTCGT[C>A]GCCCAGCGAGTCGTTGCCGGGGGAAGCATCCCAGTCCAGGTCGGCCAGTGTGAGGTTGAA-3'
Protein context (NP_940799.1, residues 22-42): DASPGNDSLG[Asp32Tyr]ELLQLFPAPL

ClinVar aggregate classification (germline): Uncertain significance (1 of 4 stars; one submission).

Allele frequency attached by ClinVar (database versions not stated): TOPMed below 0.00001.

Submission:

Labcorp Genetics (formerly Invitae), Labcorp
Classification: Uncertain significance. Last evaluated: 2022-03-02. Review status: criteria provided, single submitter. Criteria: Invitae Variant Classification Sherloc (09022015). Collection method: clinical testing. Allele origin: germline.
Comment: This sequence change replaces aspartic acid, which is acidic and polar, with tyrosine, which is neutral and polar, at codon 32 of the GHSR protein (p.Asp32Tyr). In summary, the available evidence is currently insufficient to determine the role of this variant in disease. Therefore, it has been classified as a Variant of Uncertain Significance. Algorithms developed to predict the effect of missense changes on protein structure and function (SIFT, PolyPhen-2, Align-GVGD) all suggest that this variant is likely to be tolerated. This variant has not been reported in the literature in individuals affected with GHSR-related conditions. This variant is not present in population databases (gnomAD no frequency).